The following is an entry in ClinVar:

ClinVar aggregate classification (germline): Uncertain significance (1 of 4 stars; one submission).

Conditions:
Brugada syndrome. Also called: Sudden unexplained nocturnal death syndrome; Sudden unexpected nocturnal death syndrome; Sudden Unexplained Death Syndrome; Sudden Unexplained Nocturnal Death Syndrome (SUNDS). Identifiers: Orphanet 130, MedGen C1142166, MONDO:0015263.

Allele frequency attached by ClinVar (database versions not stated): ExAC 0.00001; gnomAD exomes 0.00001.
gnomAD v4.1: 6 of 1,614,066 alleles (0.00037%); highest among the groups gnomAD compares: Non-Finnish European, 0.00051%; no homozygotes.

Submission:

Labcorp Genetics (formerly Invitae), Labcorp
Classification: Uncertain significance for Brugada syndrome. Last evaluated: 2021-07-23. Review status: criteria provided, single submitter. Criteria: Invitae Variant Classification Sherloc (09022015). Collection method: clinical testing. Allele origin: germline.
Comment: In summary, the available evidence is currently insufficient to determine the role of this variant in disease. Therefore, it has been classified as a Variant of Uncertain Significance. Advanced modeling of protein sequence and biophysical properties (such as structural, functional, and spatial information, amino acid conservation, physicochemical variation, residue mobility, and thermodynamic stability) performed at Invitae indicates that this missense variant is not expected to disrupt SCN10A protein function. This variant has been observed in individual(s) with Brugada syndrome (PMID: 30847666). This variant is present in population databases (rs762119038, ExAC 0.001%). This sequence change replaces isoleucine with valine at codon 841 of the SCN10A protein (p.Ile841Val). The isoleucine residue is moderately conserved and there is a small physicochemical difference between isoleucine and valine.

Literature cited by the submitters: PubMed 30847666.

NM_006514.4(SCN10A):c.2521A>G (p.Ile841Val)

Gene: SCN10A (sodium voltage-gated channel alpha subunit 10; minus strand). Cytogenetic location: 3p22.2.
Variant type: single nucleotide variant.
Coding change: c.2521A>G on transcript NM_006514.4 (MANE Select); coding-DNA position 2521, A replaced by G.
Protein change: p.Ile841Val; replaces isoleucine 841 with valine.
Molecular consequence: missense variant.
Genome position (GRCh38, 1-based): chr3:38,728,661, T>C on the plus strand (A>G on the coding strand, the complement: SCN10A is on the minus strand). VCF-style: chr3-38728661-T-C. GRCh37 (hg19) VCF-style: chr3-38770152-T-C.
Other names: c.2521A>G, p.Ile841Val (NM_001293306.2); c.2227A>G, p.Ile743Val (NM_001293307.2); short protein forms I743V, I841V.
Identifiers: ClinVar variation 1487734 (VCV001487734.8), dbSNP rs762119038, ClinGen allele CA2320519.